The following is an entry in ClinVar:

ClinVar aggregate classification (germline): Uncertain significance. Review status: criteria provided, multiple submitters, no conflicts (2 of 4 stars). 3 submissions from 3 submitters: Uncertain significance (3). Last evaluated 2024-11-18.

Conditions:
Familial focal epilepsy with variable foci (FPEVF). Identifiers: Orphanet 98820, MedGen C1858477, MONDO:0020310.
Epilepsy, familial focal, with variable foci 1 (FFEVF1). Also called: DEPDC5-Related Epilepsy. Identifiers: MedGen C4551983, MONDO:0024556, OMIM 604364.

Allele frequency attached by ClinVar (database versions not stated): TOPMed below 0.00001; gnomAD 0.00001; gnomAD exomes 0.00001.

Submissions (3):

Servicio de Genética Del Instituto Nacional de Salud Del Niño, Ministerio de Salud
Classification: Uncertain significance for Epilepsy, familial focal, with variable foci 1. Last evaluated: 2024-11-18. Review status: criteria provided, single submitter. Criteria: ACMG Guidelines, 2015. Collection method: clinical testing. Allele origin: germline. Inheritance: Autosomal dominant inheritance.
Comment: The variant NM_001242896.3:c.3780A>G results in the substitution of isoleucine with methionine at position 1260 (p.Ile1260Met). Both isoleucine and methionine are hydrophobic amino acids, but methionine contains a sulfur atom in its side chain, which may influence the protein’s function or stability. Based on PM2 (absence in population databases), this variant is classified as uncertain significance

Labcorp Genetics (formerly Invitae), Labcorp
Classification: Uncertain significance for Familial focal epilepsy with variable foci. Last evaluated: 2024-09-04. Review status: criteria provided, single submitter. Criteria: Invitae Variant Classification Sherloc (09022015). Collection method: clinical testing. Allele origin: germline.
Comment: This sequence change replaces isoleucine, which is neutral and non-polar, with methionine, which is neutral and non-polar, at codon 1260 of the DEPDC5 protein (p.Ile1260Met). This variant is present in population databases (no rsID available, gnomAD 0.007%). This variant has not been reported in the literature in individuals affected with DEPDC5-related conditions. ClinVar contains an entry for this variant (Variation ID: 1047034). Experimental studies and prediction algorithms are not available or were not evaluated, and the functional significance of this variant is currently unknown. In summary, the available evidence is currently insufficient to determine the role of this variant in disease. Therefore, it has been classified as a Variant of Uncertain Significance.

Blueprint Genetics
Classification: Uncertain significance. Last evaluated: 2021-10-14. Review status: criteria provided, single submitter. Criteria: ACMG Guidelines, 2015. Collection method: clinical testing. Allele origin: germline.

NM_001242896.3(DEPDC5):c.3780A>G (p.Ile1260Met)

Gene: DEPDC5 (DEP domain containing 5, GATOR1 subcomplex subunit; plus strand). Cytogenetic location: 22q12.3.
Variant type: single nucleotide variant.
Coding change: c.3780A>G on transcript NM_001242896.3 (MANE Select); coding-DNA position 3780, A replaced by G.
Protein change: p.Ile1260Met; replaces isoleucine 1260 with methionine.
Molecular consequence: missense variant. On other transcripts: non-coding transcript variant (2).
Genome position (GRCh38, 1-based): chr22:31,876,240, A>G. VCF-style: chr22-31876240-A-G. GRCh37 (hg19) VCF-style: chr22-32272226-A-G.
Other names: c.3753A>G, p.Ile1251Met (NM_001136029.4); c.3480A>G, p.Ile1160Met (NM_001242897.2); c.3714A>G, p.Ile1238Met (NM_001363852.2, NM_001364320.2); c.3546A>G, p.Ile1182Met (NM_001363854.2, NM_001364319.2); c.3780A>G, p.Ile1260Met (NM_001364318.2); c.3696A>G, p.Ile1232Met (NM_001369901.1, NM_001369902.1); c.3687A>G, p.Ile1229Met (NM_001369903.1, NM_014662.6); short protein forms I1182M, I1232M, I1238M, I1251M, I1260M, I1160M, I1229M.
Identifiers: ClinVar variation 1047034 (VCV001047034.11), dbSNP rs1245190784, ClinGen allele CA411279707.